The following is an entry in ClinVar:

NM_001916.5(CYC1):c.867G>A (p.Gly289=)

Gene: CYC1 (cytochrome c1; plus strand). Cytogenetic location: 8q24.3.
Variant type: single nucleotide variant.
Coding change: c.867G>A on transcript NM_001916.5 (MANE Select); coding-DNA position 867, G replaced by A.
Protein change: p.Gly289=; no amino-acid change (glycine 289 retained).
Molecular consequence: synonymous variant.
Genome position (GRCh38, 1-based): chr8:144,097,128, G>A. VCF-style: chr8-144097128-G-A. GRCh37 (hg19) VCF-style: chr8-145152031-G-A.
Other names: c.867G>A (NM_001916.4).
Identifiers: ClinVar variation 1626966 (VCV001626966.10), dbSNP rs535993678, ClinGen allele CA4933561.
Genomic context (GRCh38, chr8:144,097,128, plus strand): 5'-TGTGTGCACCTTCCTGCGCTGGGCATCTGAGCCAGAGCACGACCATCGAAAACGCATGGG[G>A]CTCAAGGTAAAAGGGTTGGGAGGCCATGGTGGGTATCAGAGAAGGGCTGGGAGCTGGGCA-3'
Protein context (NP_001907.3, residues 279-299): EPEHDHRKRM[Gly289=]LKMLMMMALL

ClinVar aggregate classification (germline): Likely benign. Review status: criteria provided, single submitter (1 of 4 stars). 2 submissions from 2 submitters: Likely benign (1). 1 of the submissions does not count toward it. Last evaluated 2021-10-13.

Conditions:
CYC1-related disorder. Also called: CYC1-related condition.

Allele frequency attached by ClinVar (database versions not stated): gnomAD exomes below 0.00001 and 0.00002; gnomAD 0.00001; TOPMed 0.00001; ExAC 0.00003; 1000 Genomes Project 0.00020; 1000 Genomes Project 30x 0.00031.
gnomAD v4.1: 7 of 1,612,188 alleles (0.00043%); highest among the groups gnomAD compares: East Asian, 0.0067%; no homozygotes.

Submissions (2):

Labcorp Genetics (formerly Invitae), Labcorp
Classification: Likely benign. Last evaluated: 2021-10-13. Review status: criteria provided, single submitter. Criteria: Invitae Variant Classification Sherloc (09022015). Collection method: clinical testing. Allele origin: germline.

PreventionGenetics, part of Exact Sciences
Classification: Likely benign for CYC1-related condition. Last evaluated: 2019-06-17. Review status: no assertion criteria provided. Collection method: clinical testing. Allele origin: germline. Not counted in ClinVar's aggregate classification.
Comment: This variant is classified as likely benign based on ACMG/AMP sequence variant interpretation guidelines (Richards et al. 2015 PMID: 25741868, with internal and published modifications).